The following is an entry in ClinVar:

ClinVar aggregate classification (germline): Uncertain significance. Review status: criteria provided, multiple submitters, no conflicts (2 of 4 stars). 3 submissions from 3 submitters: Uncertain significance (3). Last evaluated 2024-09-24.

Conditions:
Inborn genetic diseases. Identifiers: MedGen C0950123, MeSH D030342.

Allele frequency attached by ClinVar (database versions not stated): gnomAD exomes below 0.00001.

Submissions (3):

Ambry Genetics
Classification: Uncertain significance for Inborn genetic diseases. Last evaluated: 2024-09-24. Review status: criteria provided, single submitter. Criteria: Ambry Variant Classification Scheme 2023. Collection method: clinical testing. Allele origin: germline.

Labcorp Genetics (formerly Invitae), Labcorp
Classification: Uncertain significance. Last evaluated: 2022-11-08. Review status: criteria provided, single submitter. Criteria: Invitae Variant Classification Sherloc (09022015). Collection method: clinical testing. Allele origin: germline.
Comment: Algorithms developed to predict the effect of missense changes on protein structure and function output the following: SIFT: "Tolerated"; PolyPhen-2: "Benign"; Align-GVGD: "Class C0". The glutamine amino acid residue is found in multiple mammalian species, which suggests that this missense change does not adversely affect protein function. This variant has not been reported in the literature in individuals affected with DRAM2-related conditions. This variant is present in population databases (no rsID available, gnomAD 0.003%). This sequence change replaces arginine, which is basic and polar, with glutamine, which is neutral and polar, at codon 260 of the DRAM2 protein (p.Arg260Gln). In summary, the available evidence is currently insufficient to determine the role of this variant in disease. Therefore, it has been classified as a Variant of Uncertain Significance.

Blueprint Genetics
Classification: Uncertain significance. Last evaluated: 2022-08-08. Review status: criteria provided, single submitter. Criteria: ACMG Guidelines, 2015. Collection method: clinical testing. Allele origin: germline.

NM_001349884.2(DRAM2):c.779G>A (p.Arg260Gln)

Gene: DRAM2 (DNA damage regulated autophagy modulator 2; minus strand). Cytogenetic location: 1p13.3.
Variant type: single nucleotide variant.
Coding change: c.779G>A on transcript NM_001349884.2 (MANE Select); coding-DNA position 779, G replaced by A.
Protein change: p.Arg260Gln; replaces arginine 260 with glutamine.
Molecular consequence: missense variant. On other transcripts: non-coding transcript variant (8).
Genome position (GRCh38, 1-based): chr1:111,118,182, C>T on the plus strand (G>A on the coding strand, the complement: DRAM2 is on the minus strand). VCF-style: chr1-111118182-C-T. GRCh37 (hg19) VCF-style: chr1-111660804-C-T.
Other names: c.779G>A, p.Arg260Gln (NM_001349881.2, NM_001349882.2, NM_001349885.2 and 1 more transcripts); c.509G>A, p.Arg170Gln (NM_001349886.2, NM_001349887.2, NM_001349888.2); c.389G>A, p.Arg130Gln (NM_001349889.2, NM_001349890.2, NM_001349891.2 and 2 more transcripts); c.779G>A (NM_178454.4); short protein forms R130Q, R260Q, R170Q.
Identifiers: ClinVar variation 1991756 (VCV001991756.6), dbSNP rs1363827522, ClinGen allele CA341817873.
Genomic context (GRCh38, chr1:111,118,182, plus strand): 5'-GAGAATCATAATCATTACAGAAATATTTTATCCTTTCATCAAATATCTCTGGAAAGTAGC[C>T]GTGTTCGTTCATTGTTAATAGGGCAAGGTGCAGTGTCATAGAGGGTTAATCCATGTAAAT-3'
Protein context (NP_001336813.1, residues 250-266): APCPINNERT[Arg260Gln]LLSRDI